The following is an entry in ClinVar:

ClinVar aggregate classification (germline): Likely benign (1 of 4 stars; one submission).

Allele frequency attached by ClinVar (database versions not stated): TOPMed 0.00318; ExAC 0.00268; 1000 Genomes Project 30x 0.00281; gnomAD 0.00292; 1000 Genomes Project 0.00300; gnomAD exomes 0.00346.
gnomAD v4.1: 2,320 of 698,848 alleles (0.33%); highest among the groups gnomAD compares: Non-Finnish European, 0.47%; 10 homozygotes.

Submission:

CeGaT Center for Human Genetics Tuebingen
Classification: Likely benign. Last evaluated: 2023-02-01. Review status: criteria provided, single submitter. Criteria: CeGaT Center For Human Genetics Tuebingen Variant Classification Criteria Version 2. Collection method: clinical testing. Allele origin: germline. Affected: yes. Observed: 1 variant allele.
Comment: ENSG00000286105: BS2; TMEM217: BS2

NM_001286401.2(TMEM217):c.*198A>G

Genes: TMEM217 (transmembrane protein 217; minus strand), TMEM217B (transmembrane protein 217B; minus strand). Cytogenetic location: 6p21.2.
Variant type: single nucleotide variant.
Coding change: c.*198A>G on transcript NM_001286401.2 (MANE Select); 198 bases downstream of the stop codon, A replaced by G.
Molecular consequence: 3 prime UTR variant. On other transcripts: missense variant (3), non-coding transcript variant (1).
Genome position (GRCh38, 1-based): chr6:37,212,768, T>C on the plus strand (A>G on the coding strand, the complement: TMEM217 is on the minus strand). VCF-style: chr6-37212768-T-C. GRCh37 (hg19) VCF-style: chr6-37180544-T-C.
Other names: c.202A>G, p.Ile68Val (NM_001395377.1, NM_001395378.1, NM_001395938.1); c.*198A>G (NM_001371555.1); c.*203A>G (NM_001395238.1, NM_001395243.1); c.*214A>G (NM_001395241.1, NM_001395242.1); c.*123A>G (NM_001395244.1); c.*229A>G (NM_145316.4); short protein forms I68V.
Identifiers: ClinVar variation 2656523 (VCV002656523.23), dbSNP rs137861808, ClinGen allele CA3784045.